The following is an entry in ClinVar:

ClinVar aggregate classification (germline): Pathogenic (1 of 4 stars; one submission).

Conditions:
Angelman syndrome (AS). Also called: HAPPY PUPPET SYNDROME. Identifiers: Orphanet 72, MedGen C0162635, MONDO:0007113, OMIM 105830. Disease mechanism: loss of function. Inheritance: imprinting disorder, AS is caused by disruption of maternally imprinted UBE3A located within the 15q11.2-q13 Angelman syndrome/Prader-Willi syndrome (AS/PWS) region..

Submission:

Labcorp Genetics (formerly Invitae), Labcorp
Classification: Pathogenic for Angelman syndrome. Last evaluated: 2022-10-18. Review status: criteria provided, single submitter. Criteria: Invitae Variant Classification Sherloc (09022015). Collection method: clinical testing. Allele origin: germline.
Comment: A copy number gain of the genomic region encompassing the full coding sequence of the UBE3A gene has been identified. The boundaries of this event are unknown as they extend beyond the assayed region for this gene and therefore may encompass additional genes. As the precise location of this event is unknown, it may be in tandem or it may be located elsewhere in the genome. A similar copy number variant has been observed in individuals with seizures, developmental delay, anxiety and depression (PMID: 23495136, 25884337; Invitae). It has also been observed to segregate with disease in related individuals. For these reasons, this variant has been classified as Pathogenic.

Literature cited by the submitters: PubMed 23495136; PubMed 25884337.

NC_000015.10:g.(?_25339137)_(25405462_?)dup

Gene: UBE3A (ubiquitin protein ligase E3A; minus strand). Cytogenetic location: 15q11.2.
Variant type: Duplication.
Identifiers: ClinVar variation 831131 (VCV000831131.2).